The following is an entry in ClinVar:

ClinVar aggregate classification (germline): Uncertain significance (1 of 4 stars; one submission).

Conditions:
MELAS syndrome (MELAS). Also called: Juvenile myopathy, encephalopathy, lactic acidosis, stroke. Identifiers: Orphanet 550, MedGen C0162671, MONDO:0010789, OMIM 540000.

Submission:

Wong Mito Lab, Molecular and Human Genetics, Baylor College of Medicine
Classification: Uncertain significance for MELAS syndrome. Last evaluated: 2019-07-12. Review status: criteria provided, single submitter. Criteria: Modified ACMG Guidelines (Unpublished). Collection method: clinical testing. Allele origin: germline.
Comment: The NC_012920.1:m.5609T>C variant in MT-TA gene is interpreted to be a Unknown Significance variant based on the modified ACMG guidelines (unpublished). This variant meets the following evidence codes reported in the guidelines: PP3, PP7, BP5

Literature cited by the submitters: PubMed 31965079.

NC_012920.1(MT-TA):m.5609T>C

Gene: MT-TA (mitochondrially encoded tRNA alanine; minus strand).
Variant type: single nucleotide variant.
Genome position: chrM-5609-T-C.
Identifiers: ClinVar variation 689958 (VCV000689958.1), dbSNP rs1603220058, ClinGen allele CA913179992.